The following is an entry in ClinVar:

NM_004933.3(CDH15):c.153G>A (p.Pro51=)

Gene: CDH15 (cadherin 15; plus strand). Cytogenetic location: 16q24.3.
Variant type: single nucleotide variant.
Coding change: c.153G>A on transcript NM_004933.3 (MANE Select); coding-DNA position 153, G replaced by A.
Protein change: p.Pro51=; no amino-acid change (proline 51 retained).
Molecular consequence: synonymous variant.
Genome position (GRCh38, 1-based): chr16:89,179,526, G>A. VCF-style: chr16-89179526-G-A. GRCh37 (hg19) VCF-style: chr16-89245934-G-A.
Identifiers: ClinVar variation 128643 (VCV000128643.12), dbSNP rs76549400, ClinGen allele CA152226.
Genomic context (GRCh38, chr16:89,179,526, plus strand): 5'-GTACCCCTGGCGCCGGGCGCCTGCCCTGAGCCGCGTGCGGAGGGCCTGGGTCATCCCCCC[G>A]ATCAGCGTATCCGAGAACCACAAGCGTCTCCCCTACCCCCTGGTTCAGGTGAGCAGGTGG-3'
Protein context (NP_004924.1, residues 41-61): SRVRRAWVIP[Pro51=]ISVSENHKRL

ClinVar aggregate classification (germline): Benign. Review status: criteria provided, multiple submitters, no conflicts (2 of 4 stars). 4 submissions from 4 submitters: Benign (3). 1 of the submissions does not count toward it. Last evaluated 2020-01-23.

Allele frequency attached by ClinVar (database versions not stated): gnomAD 0.01787 and 0.01905; ESP Exome Variant Server 0.02054; gnomAD exomes 0.00463 and 0.00165; ExAC 0.00582; 1000 Genomes Project 30x 0.02405; TOPMed 0.01987; 1000 Genomes Project 0.02077.
gnomAD v4.1: 5,260 of 1,612,142 alleles (0.33%); highest among the groups gnomAD compares: African/African-American, 6.1%; 150 homozygotes.

Submissions (4):

GeneDx
Classification: Benign. Last evaluated: 2020-01-23. Review status: criteria provided, single submitter. Criteria: GeneDx Variant Classification Process June 2021. Collection method: clinical testing. Allele origin: germline. Affected: yes.

Labcorp Genetics (formerly Invitae), Labcorp
Classification: Benign. Last evaluated: 2019-12-31. Review status: criteria provided, single submitter. Criteria: Invitae Variant Classification Sherloc (09022015). Collection method: clinical testing. Allele origin: germline.

Breakthrough Genomics
Classification: Benign. Review status: criteria provided, single submitter. Criteria: ACMG Guidelines, 2015. Collection method: not provided. Allele origin: germline. Inheritance: Autosomal dominant inheritance. Affected: yes.

Genetic Services Laboratory, University of Chicago
Classification: Likely benign for AllHighlyPenetrant. Review status: no assertion criteria provided. Collection method: clinical testing. Allele origin: germline. Inheritance: Autosomal dominant inheritance. Not counted in ClinVar's aggregate classification.
Comment: Likely benign based on allele frequency in 1000 Genomes Project or ESP global frequency and its presence in a patient with a rare or unrelated disease phenotype. NOT Sanger confirmed.